The following is an entry in ClinVar:

ClinVar aggregate classification (germline): Conflicting classifications of pathogenicity. Review status: criteria provided, conflicting classifications (1 of 4 stars). 6 submissions from 6 submitters: Uncertain significance (5); Likely benign (1). Last evaluated 2026-01-26.

Conditions:
Hereditary nonpolyposis colorectal neoplasms. Identifiers: MedGen C0009405, MeSH D003123.
Hereditary cancer-predisposing syndrome. Also called: Neoplastic Syndromes, Hereditary; Tumor predisposition; Hereditary Cancer Syndrome; Hereditary neoplastic syndrome. Identifiers: Orphanet 140162, MedGen C0027672, MeSH D009386, MONDO:0015356.
Lynch syndrome. Identifiers: Orphanet 144, MedGen C4552100, MONDO:0005835. Disease mechanism: loss of function.

Allele frequency attached by ClinVar (database versions not stated): gnomAD exomes below 0.00001; ExAC 0.00001; gnomAD 0.00001; TOPMed 0.00001.
gnomAD v4.1: 4 of 1,614,180 alleles (0.00025%); highest among the groups gnomAD compares: East Asian, 0.0089%; no homozygotes.

Submissions (6):

Labcorp Genetics (formerly Invitae), Labcorp
Classification: Likely benign for Hereditary nonpolyposis colorectal neoplasms. Last evaluated: 2026-01-26. Review status: criteria provided, single submitter. Criteria: Invitae Variant Classification Sherloc (09022015). Collection method: clinical testing. Allele origin: germline.

Ambry Genetics
Classification: Uncertain significance for Hereditary cancer-predisposing syndrome. Last evaluated: 2024-09-01. Review status: criteria provided, single submitter. Criteria: Ambry Variant Classification Scheme 2023. Collection method: clinical testing. Allele origin: germline.
Comment: The p.H552Q variant (also known as c.1656T>A), located in coding exon 4 of the MSH6 gene, results from a T to A substitution at nucleotide position 1656. The histidine at codon 552 is replaced by glutamine, an amino acid with highly similar properties. This amino acid position is not well conserved in available lower vertebrate species. In addition, this alteration is predicted to be tolerated by in silico analysis. Since supporting evidence is limited at this time, the clinical significance of this alteration remains unclear.

All of Us Research Program, National Institutes of Health
Classification: Uncertain significance for Lynch syndrome. Last evaluated: 2024-05-14. Review status: criteria provided, single submitter. Criteria: ACMG Guidelines, 2015. Collection method: clinical testing. Allele origin: germline. Inheritance: Autosomal dominant inheritance. Observed: 2 variant alleles, 2 heterozygotes.
Comment: This missense variant replaces histidine with glutamine at codon 552 of the MSH6 protein. Computational prediction suggests that this variant may not impact protein structure and function (internally defined REVEL score threshold <= 0.5, PMID: 27666373). Splice site prediction tools suggest that this variant may not impact RNA splicing. To our knowledge, functional studies have not been performed for this variant. This variant has been reported in an individual affected with ovarian cancer (PMID: 26689913). This variant has been identified in 1/250912 chromosomes in the general population by the Genome Aggregation Database (gnomAD). The available evidence is insufficient to determine the role of this variant in disease conclusively. Therefore, this variant is classified as a Variant of Uncertain Significance.

This study involves interpretation of variants in research participants for the purpose of population health screening. Participant phenotype was not available at the time of variant classification. Additional details can be found in publication PMID: 35346344, PMCID: PMC8962531

Color Diagnostics, LLC DBA Color Health
Classification: Uncertain significance for Hereditary cancer-predisposing syndrome. Last evaluated: 2024-04-11. Review status: criteria provided, single submitter. Criteria: ACMG Guidelines, 2015. Collection method: clinical testing. Allele origin: germline.
Comment: This missense variant replaces histidine with glutamine at codon 552 of the MSH6 protein. Computational prediction suggests that this variant may not impact protein structure and function. To our knowledge, functional studies have not been reported for this variant. This variant has been reported in an individual affected with ovarian cancer (PMID: 26689913). This variant has been identified in 1/250912 chromosomes in the general population by the Genome Aggregation Database (gnomAD). The available evidence is insufficient to determine the role of this variant in disease conclusively. Therefore, this variant is classified as a Variant of Uncertain Significance.

GeneDx
Classification: Uncertain significance. Last evaluated: 2024-01-18. Review status: criteria provided, single submitter. Criteria: GeneDx Variant Classification Process June 2021. Collection method: clinical testing. Allele origin: germline. Affected: yes.
Comment: Not observed at significant frequency in large population cohorts (gnomAD); In silico analysis supports that this missense variant does not alter protein structure/function; Observed in individuals with ovarian cancer (PMID: 26689913); This variant is associated with the following publications: (PMID: 17531815, 21120944, 26689913)

Sema4
Classification: Uncertain significance for Hereditary cancer-predisposing syndrome. Last evaluated: 2021-06-08. Review status: criteria provided, single submitter. Criteria: Sema4 Curation Guidelines. Collection method: curation. Allele origin: germline.
Comment: The MSH6 c.1656T>A (p.H552Q) variant has been reported in at least 1 individual with ovarian cancer (PMID 26689913). This variant was observed in 1/18392 chromosomes in the East Asian subpopulation according to the Genome Aggregation Database (PMID: 32461654). This variant has been reported in ClinVar (Variation ID 234200). In silico tools suggest the impact of the variant on protein function is inconclusive, though these predictions have not been confirmed by functional studies. The overall evidence is insufficient to meet ACMG/AMP criteria for classifying it as benign or pathogenic. In summary, the clinical significance of this variant is currently uncertain.

Literature cited by the submitters: PubMed 26689913 (cited by 3 submitters).

NM_000179.3(MSH6):c.1656T>A (p.His552Gln)

Gene: MSH6 (mutS homolog 6; plus strand). Cytogenetic location: 2p16.3.
Variant type: single nucleotide variant.
Coding change: c.1656T>A on transcript NM_000179.3 (MANE Select); coding-DNA position 1656, T replaced by A.
Protein change: p.His552Gln; replaces histidine 552 with glutamine.
Molecular consequence: missense variant.
Genome position (GRCh38, 1-based): chr2:47,799,639, T>A. VCF-style: chr2-47799639-T-A. GRCh37 (hg19) VCF-style: chr2-48026778-T-A.
Other names: c.1266T>A, p.His422Gln (NM_001281492.2); c.750T>A, p.His250Gln (NM_001281493.2, NM_001281494.2); short protein forms H552Q, H422Q, H250Q.
Identifiers: ClinVar variation 234200 (VCV000234200.29), dbSNP rs745937181, ClinGen allele CA067967.